The following is an entry in ClinVar:

NM_001035.3(RYR2):c.6555+8C>G

Gene: RYR2 (ryanodine receptor 2; plus strand). Cytogenetic location: 1q43.
Variant type: single nucleotide variant.
Coding change: c.6555+8C>G on transcript NM_001035.3 (MANE Select); 8 bases into the intron after coding-DNA position 6555, C replaced by G.
Molecular consequence: intron variant.
Genome position (GRCh38, 1-based): chr1:237,631,549, C>G. VCF-style: chr1-237631549-C-G. GRCh37 (hg19) VCF-style: chr1-237794849-C-G.
Identifiers: ClinVar variation 43815 (VCV000043815.22), dbSNP rs1759122, ClinGen allele CA010218.

ClinVar aggregate classification (germline): Benign/Likely benign. Review status: criteria provided, multiple submitters, no conflicts (2 of 4 stars). 6 submissions from 6 submitters: Benign (1); Likely benign (5). Last evaluated 2026-03-27.

Conditions:
Cardiomyopathy (CMYO). Also called: Cardiomyopathies. Identifiers: Orphanet 167848, MedGen C0878544, MONDO:0004994, HP:0001638. Inheritance: Various modes of inheritance.
Catecholaminergic polymorphic ventricular tachycardia 1. Also called: VENTRICULAR TACHYCARDIA, CATECHOLAMINERGIC POLYMORPHIC, 1, WITH OR WITHOUT ATRIAL DYSFUNCTION AND/OR DILATED CARDIOMYOPATHY; VENTRICULAR TACHYCARDIA, STRESS-INDUCED POLYMORPHIC 1; RYR2-Related Catecholaminergic Polymorphic Ventricular Tachycardia. Identifiers: Orphanet 3286, MedGen C1631597, MONDO:0011484, OMIM 604772.

gnomAD v4.1: 1 of 1,446,994 alleles (0.000069%); no homozygotes.

Submissions (6):

Molecular Diagnostic Laboratory for Inherited Cardiovascular Disease, Montreal Heart Institute
Classification: Likely benign. Last evaluated: 2026-03-27. Review status: criteria provided, single submitter. Criteria: ACMG Guidelines, 2015. Collection method: clinical testing. Allele origin: germline. Affected: no.

Women's Health and Genetics/Laboratory Corporation of America, LabCorp
Classification: Likely benign. Last evaluated: 2025-04-29. Review status: criteria provided, single submitter. Criteria: LabCorp Variant Classification Summary - May 2015. Collection method: clinical testing. Allele origin: germline.

Blueprint Genetics
Classification: Likely benign. Last evaluated: 2024-03-25. Review status: criteria provided, single submitter. Criteria: ACMG Guidelines, 2015. Collection method: clinical testing. Allele origin: germline.

Labcorp Genetics (formerly Invitae), Labcorp
Classification: Likely benign for Catecholaminergic polymorphic ventricular tachycardia 1. Last evaluated: 2023-04-25. Review status: criteria provided, single submitter. Criteria: Invitae Variant Classification Sherloc (09022015). Collection method: clinical testing. Allele origin: germline.

CHEO Genetics Diagnostic Laboratory, Children's Hospital of Eastern Ontario
Classification: Likely benign for Cardiomyopathy. Last evaluated: 2020-09-30. Review status: criteria provided, single submitter. Criteria: ACMG Guidelines, 2015. Collection method: clinical testing. Allele origin: germline.

Laboratory for Molecular Medicine, Mass General Brigham Personalized Medicine
Classification: Benign. Last evaluated: 2013-02-08. Review status: criteria provided, single submitter. Criteria: LMM Criteria. Collection method: clinical testing. Allele origin: germline. Observed: 1 variant allele.
Comment: 6555+8C>G in intron 42 of RYR2: This variant is not expected to have clinical si gnificance because it is not located within the splice consensus sequence. It h as been identified in 0.7% (26/3978) of African American chromosomes from a broa d population by the NHLBI Exome Sequencing Project (/EVS/; dbSNP rs1759122).